The following is an entry in ClinVar:

NM_001330987.2(TMEM230):c.242G>A (p.Arg81Gln)

Gene: TMEM230 (transmembrane protein 230; minus strand). Cytogenetic location: 20p13.
Variant type: single nucleotide variant.
Coding change: c.242G>A on transcript NM_001330987.2; coding-DNA position 242, G replaced by A.
Protein change: p.Arg81Gln; replaces arginine 81 with glutamine.
Molecular consequence: missense variant.
Genome position (GRCh38, 1-based): chr20:5,069,330, C>T on the plus strand (G>A on the coding strand, the complement: TMEM230 is on the minus strand). VCF-style: chr20-5069330-C-T. GRCh37 (hg19) VCF-style: chr20-5049976-C-T.
Other names: short protein forms R81Q.
Identifiers: ClinVar variation 3048152 (VCV003048152.2), dbSNP rs141618836, ClinGen allele CA9753350.

ClinVar aggregate classification (germline): Likely benign (0 of 4 stars; one submission).

Conditions:
TMEM230-related disorder. Also called: TMEM230-related condition.

Allele frequency attached by ClinVar (database versions not stated): 1000 Genomes Project 0.00100; TOPMed 0.00210; 1000 Genomes Project 30x 0.00094; ExAC 0.00017; gnomAD 0.00180.
gnomAD v4.1: 493 of 1,534,844 alleles (0.032%); highest among the groups gnomAD compares: African/African-American, 0.6%; 1 homozygote.

Submission:

PreventionGenetics, part of Exact Sciences
Classification: Likely benign for TMEM230-related condition. Last evaluated: 2020-11-03. Review status: no assertion criteria provided. Collection method: clinical testing. Allele origin: germline.
Comment: This variant is classified as likely benign based on ACMG/AMP sequence variant interpretation guidelines (Richards et al. 2015 PMID: 25741868, with internal and published modifications).